The following is an entry in ClinVar:

NM_001161352.2(KCNMA1):c.378+792_378+793dup

Gene: KCNMA1 (potassium calcium-activated channel subfamily M alpha 1; minus strand). Cytogenetic location: 10q22.3.
Variant type: Duplication.
Coding change: c.378+792_378+793dup on transcript NM_001161352.2 (MANE Select); bases 792 to 793 of the intron after coding-DNA position 378, 2 bases duplicated (AG; older notation c.378+792_378+793dupAG).
Molecular consequence: intron variant. On other transcripts: 3 prime UTR variant (2), frameshift variant (2).
Genome position (GRCh38, 1-based): chr10:77,636,472-77,636,473, CT duplicated on the plus strand (AG on the coding strand, the reverse complement: KCNMA1 is on the minus strand); duplicating any 2 consecutive bases within chr10:77,636,472-77,636,474 gives the same sequence; the c. name uses the placement nearest the transcript's 3' end. VCF-style (leftmost placement, unchanged base first): chr10-77636471-G-GCT. GRCh37 (hg19) VCF-style: chr10-79396229-G-GCT.
Other names: c.*270_*271dup (NM_001271520.2); c.*88_*89dup (NM_001271521.2); c.421_422dup, p.Ser141fs (NM_001271522.2); c.588_589dup, p.Ala197fs (NM_001322839.2); c.378+792_378+793dup (NM_001271518.2, NM_001322832.2, NM_001322829.2 and 8 more transcripts); short protein forms A197fs, S141fs.
Identifiers: ClinVar variation 1312689 (VCV001312689.2), dbSNP rs2154571925, ClinGen allele CA2573053312.

ClinVar aggregate classification (germline): Uncertain significance (1 of 4 stars; one submission).

Submission:

GeneDx
Classification: Uncertain significance. Last evaluated: 2020-06-04. Review status: criteria provided, single submitter. Criteria: GeneDx Variant Classification Process June 2021. Collection method: clinical testing. Allele origin: germline. Affected: yes.
Comment: Has not been previously published as pathogenic or benign to our knowledge; Frameshift variant predicted to result in a disrupted protein as the last 28 amino acids are replaced with 50 different amino acids; Not observed in large population cohorts (Lek et al., 2016)